The following is an entry in ClinVar:

NM_003922.4(HERC1):c.4712A>G (p.Asn1571Ser)

Gene: HERC1 (HECT and RLD domain containing E3 ubiquitin protein ligase family member 1; minus strand). Cytogenetic location: 15q22.31.
Variant type: single nucleotide variant.
Coding change: c.4712A>G on transcript NM_003922.4 (MANE Select); coding-DNA position 4712, A replaced by G.
Protein change: p.Asn1571Ser; replaces asparagine 1571 with serine.
Molecular consequence: missense variant.
Genome position (GRCh38, 1-based): chr15:63,698,921, T>C on the plus strand (A>G on the coding strand, the complement: HERC1 is on the minus strand). VCF-style: chr15-63698921-T-C. GRCh37 (hg19) VCF-style: chr15-63991120-T-C.
Other names: short protein forms N1571S.
Identifiers: ClinVar variation 2547939 (VCV002547939.5), dbSNP rs748628494, ClinGen allele CA7605714.

ClinVar aggregate classification (germline): Uncertain significance. Review status: criteria provided, multiple submitters, no conflicts (2 of 4 stars). 2 submissions from 2 submitters: Uncertain significance (2). Last evaluated 2023-05-26.

Conditions:
Inborn genetic diseases. Identifiers: MedGen C0950123, MeSH D030342.

Allele frequency attached by ClinVar (database versions not stated): gnomAD exomes 0.00001; gnomAD 0.00004; TOPMed 0.00006; ExAC 0.00007.
gnomAD v4.1: 26 of 1,613,456 alleles (0.0016%); highest among the groups gnomAD compares: East Asian, 0.056%; no homozygotes.

Submissions (2):

Labcorp Genetics (formerly Invitae), Labcorp
Classification: Uncertain significance. Last evaluated: 2023-05-26. Review status: criteria provided, single submitter. Criteria: Invitae Variant Classification Sherloc (09022015). Collection method: clinical testing. Allele origin: germline.
Comment: In summary, the available evidence is currently insufficient to determine the role of this variant in disease. Therefore, it has been classified as a Variant of Uncertain Significance. Advanced modeling of protein sequence and biophysical properties (such as structural, functional, and spatial information, amino acid conservation, physicochemical variation, residue mobility, and thermodynamic stability) performed at Invitae indicates that this missense variant is not expected to disrupt HERC1 protein function. This variant has not been reported in the literature in individuals affected with HERC1-related conditions. This variant is present in population databases (rs748628494, gnomAD 0.1%). This sequence change replaces asparagine, which is neutral and polar, with serine, which is neutral and polar, at codon 1571 of the HERC1 protein (p.Asn1571Ser).

Ambry Genetics
Classification: Uncertain significance for Inborn genetic diseases. Last evaluated: 2023-05-17. Review status: criteria provided, single submitter. Criteria: Ambry Variant Classification Scheme 2023. Collection method: clinical testing. Allele origin: germline.